The following is an entry in ClinVar:

ClinVar aggregate classification (germline): Likely benign (0 of 4 stars; one submission).

Conditions:
CDK20-related disorder. Also called: CDK20-related condition.

Allele frequency attached by ClinVar (database versions not stated): TOPMed 0.00003; gnomAD exomes 0.00009; gnomAD 0.00010; 1000 Genomes Project 0.00020; ExAC 0.00025; 1000 Genomes Project 30x 0.00031.
gnomAD v4.1: 154 of 1,613,994 alleles (0.0095%); highest among the groups gnomAD compares: South Asian, 0.15%; no homozygotes.

Submission:

PreventionGenetics, part of Exact Sciences
Classification: Likely benign for CDK20-related condition. Last evaluated: 2023-07-07. Review status: no assertion criteria provided. Collection method: clinical testing. Allele origin: germline.
Comment: This variant is classified as likely benign based on ACMG/AMP sequence variant interpretation guidelines (Richards et al. 2015 PMID: 25741868, with internal and published modifications).

NM_001039803.3(CDK20):c.768C>T (p.Asp256=)

Gene: CDK20 (cyclin dependent kinase 20; minus strand). Cytogenetic location: 9q22.1.
Variant type: single nucleotide variant.
Coding change: c.768C>T on transcript NM_001039803.3 (MANE Select); coding-DNA position 768, C replaced by T.
Protein change: p.Asp256=; no amino-acid change (aspartic acid 256 retained).
Molecular consequence: synonymous variant. On other transcripts: missense variant (1).
Genome position (GRCh38, 1-based): chr9:87,969,269, G>A on the plus strand (C>T on the coding strand, the complement: CDK20 is on the minus strand). VCF-style: chr9-87969269-G-A. GRCh37 (hg19) VCF-style: chr9-90584184-G-A.
Other names: c.705C>T, p.Asp235= (NM_001170639.2, NM_012119.5); c.581C>T, p.Thr194Met (NM_001170640.2); c.744C>T, p.Asp248= (NM_178432.4); short protein forms T194M.
Identifiers: ClinVar variation 3048333 (VCV003048333.2), dbSNP rs546971086, ClinGen allele CA5114001.